The following is an entry in ClinVar:

ClinVar aggregate classification (germline): Uncertain significance (1 of 4 stars; one submission).

Allele frequency attached by ClinVar (database versions not stated): ExAC 0.00001; gnomAD 0.00001; gnomAD exomes 0.00001.
gnomAD v4.1: 17 of 1,561,806 alleles (0.0011%); highest among the groups gnomAD compares: East Asian, 0.0022%; no homozygotes.

Submissions (3):

Labcorp Genetics (formerly Invitae), Labcorp
Classification: Uncertain significance. Last evaluated: 2022-07-12. Review status: criteria provided, single submitter. Criteria: Invitae Variant Classification Sherloc (09022015). Collection method: clinical testing. Allele origin: germline.
Comment: This sequence change falls in intron 2 of the RNF168 gene. It does not directly change the encoded amino acid sequence of the RNF168 protein. It affects a nucleotide within the consensus splice site. The frequency data for this variant in the population databases is considered unreliable, as metrics indicate poor data quality at this position in the gnomAD database. This variant has not been reported in the literature in individuals affected with RNF168-related conditions. ClinVar contains an entry for this variant (Variation ID: 1423854). Variants that disrupt the consensus splice site are a relatively common cause of aberrant splicing (PMID: 17576681, 9536098). Algorithms developed to predict the effect of sequence changes on RNA splicing suggest that this variant is not likely to affect RNA splicing. In summary, the available evidence is currently insufficient to determine the role of this variant in disease. Therefore, it has been classified as a Variant of Uncertain Significance.

Dr. Peter K. Rogan Lab, Western University
No classification provided (evidence only). Condition: Uterine corpus endometrial carcinoma. Review status: no classification provided. Collection method: in vitro. Allele origin: not applicable. Functional consequence: skipped exon. Not counted in ClinVar's aggregate classification.

Dr. Peter K. Rogan Lab, Western University
No classification provided (evidence only). Condition: Ovarian serous cystadenocarcinoma. Review status: no classification provided. Collection method: in vitro. Allele origin: not applicable. Functional consequence: skipped exon. Not counted in ClinVar's aggregate classification.

Literature cited by the submitters: PubMed 17576681 (cited by Labcorp Genetics (formerly Invitae), Labcorp); PubMed 9536098 (cited by Labcorp Genetics (formerly Invitae), Labcorp).

NM_152617.4(RNF168):c.378+5G>A

Gene: RNF168 (ring finger protein 168; minus strand). Cytogenetic location: 3q29.
Variant type: single nucleotide variant.
Coding change: c.378+5G>A on transcript NM_152617.4 (MANE Select); 5 bases into the intron after coding-DNA position 378, G replaced by A.
Molecular consequence: intron variant.
Genome position (GRCh38, 1-based): chr3:196,488,602, C>T on the plus strand (G>A on the coding strand, the complement: RNF168 is on the minus strand). VCF-style: chr3-196488602-C-T. GRCh37 (hg19) VCF-style: chr3-196215473-C-T.
Identifiers: ClinVar variation 1423854 (VCV001423854.7), dbSNP rs773872938, ClinGen allele CA2780967.